The following is an entry in ClinVar:

NM_006517.5(SLC16A2):c.188C>T (p.Pro63Leu)

Gene: SLC16A2 (solute carrier family 16 member 2; plus strand). Cytogenetic location: Xq13.2.
Variant type: single nucleotide variant.
Coding change: c.188C>T on transcript NM_006517.5 (MANE Select); coding-DNA position 188, C replaced by T.
Protein change: p.Pro63Leu; replaces proline 63 with leucine.
Molecular consequence: missense variant.
Genome position (GRCh38, 1-based): chrX:74,421,825, C>T. VCF-style: chrX-74421825-C-T. GRCh37 (hg19) VCF-style: chrX-73641660-C-T.
Other names: short protein forms P63L.
Identifiers: ClinVar variation 3391663 (VCV003391663.2).

ClinVar aggregate classification (germline): Uncertain significance (1 of 4 stars; one submission).

Submission:

GeneDx
Classification: Uncertain significance. Last evaluated: 2026-10-20. Review status: criteria provided, single submitter. Criteria: GeneDx Variant Classification Process June 2021. Collection method: clinical testing. Allele origin: germline.
Comment: Not observed at significant frequency in large population cohorts (gnomAD); In silico analysis suggests that this missense variant does not alter protein structure/function; Has not been previously published as pathogenic or benign to our knowledge